The following is an entry in ClinVar:

ClinVar aggregate classification (germline): Pathogenic (1 of 4 stars; one submission).

Submission:

Baylor Genetics
Classification: Pathogenic. Last evaluated: 2018-11-01. Review status: criteria provided, single submitter. Criteria: ACMG CNV Guidelines, 2011. Collection method: clinical testing. Allele origin: de novo. Observed: 1 variant allele.

GRCh37/hg19 19q13.11-13.12(chr19:35043556-36316644)

Genes: ARHGAP33 (Rho GTPase activating protein 33; plus strand), ATP4A (ATPase H+/K+ transporting subunit alpha; minus strand), CD22 (CD22 molecule; plus strand), COX6B1 (cytochrome c oxidase subunit 6B1; plus strand), DMKN (dermokine; minus strand) and 41 more. Cytogenetic location: 19q13.11-13.12.
Variant type: copy number loss.
Identifiers: ClinVar variation 625761 (VCV000625761.1).